The following is an entry in ClinVar:

NM_176787.5(PIGN):c.2575A>C (p.Ser859Arg)

Gene: PIGN (phosphatidylinositol glycan anchor biosynthesis class N; minus strand). Cytogenetic location: 18q21.33.
Variant type: single nucleotide variant.
Coding change: c.2575A>C on transcript NM_176787.5 (MANE Select); coding-DNA position 2575, A replaced by C.
Protein change: p.Ser859Arg; replaces serine 859 with arginine.
Molecular consequence: missense variant.
Genome position (GRCh38, 1-based): chr18:62,082,674, T>G on the plus strand (A>C on the coding strand, the complement: PIGN is on the minus strand). VCF-style: chr18-62082674-T-G. GRCh37 (hg19) VCF-style: chr18-59749907-T-G.
Other names: c.2575A>C, p.Ser859Arg (NM_012327.6); short protein forms S859R.
Identifiers: ClinVar variation 1793297 (VCV001793297.2), dbSNP rs2512380169, ClinGen allele CA402600813.
Genomic context (GRCh38, chr18:62,082,674, plus strand): 5'-TTTACTCTCATCTCCTAAAAATAGGCAAATCAAATGTTTCTTAAACTAATTCATCTTACC[T>G]TTTTGACGATAACTGAGTAGTCAACTGAACTGCTTCAAAAGCACACATAACAAGAACAAA-3'
Protein context (NP_789744.1, residues 849-869): VQLTTQLSSK[Ser859Arg]LFLIVLVISD

ClinVar aggregate classification (germline): Uncertain significance (1 of 4 stars; one submission).

Conditions:
Inborn genetic diseases. Identifiers: MedGen C0950123, MeSH D030342.

Submission:

Ambry Genetics
Classification: Uncertain significance for Inborn genetic diseases. Last evaluated: 2019-01-28. Review status: criteria provided, single submitter. Criteria: Ambry Variant Classification Scheme 2023. Collection method: clinical testing. Allele origin: germline.
Comment: The p.S859R variant (also known as c.2575A>C), located in coding exon 25 of the PIGN gene, results from an A to C substitution at nucleotide position 2575. The serine at codon 859 is replaced by arginine, an amino acid with dissimilar properties. This amino acid position is not well conserved in available vertebrate species, and arginine is the reference amino acid in other vertebrate species. In addition, this alteration is predicted to be tolerated by in silico analysis. Since supporting evidence is limited at this time, the clinical significance of this alteration remains unclear.